The following is an entry in ClinVar:

ClinVar aggregate classification (germline): Uncertain significance (1 of 4 stars; one submission).

gnomAD v4.1: 4 of 1,613,680 alleles (0.00025%); highest among the groups gnomAD compares: African/African-American, 0.0027%; no homozygotes.

Submission:

Labcorp Genetics (formerly Invitae), Labcorp
Classification: Uncertain significance. Last evaluated: 2024-10-08. Review status: criteria provided, single submitter. Criteria: Invitae Variant Classification Sherloc (09022015). Collection method: clinical testing. Allele origin: germline.
Comment: This sequence change replaces tyrosine, which is neutral and polar, with cysteine, which is neutral and slightly polar, at codon 441 of the LEPR protein (p.Tyr441Cys). This variant is present in population databases (rs777944354, gnomAD 0.003%). This variant has not been reported in the literature in individuals affected with LEPR-related conditions. Invitae Evidence Modeling of protein sequence and biophysical properties (such as structural, functional, and spatial information, amino acid conservation, physicochemical variation, residue mobility, and thermodynamic stability) indicates that this missense variant is not expected to disrupt LEPR protein function with a negative predictive value of 80%. In summary, the available evidence is currently insufficient to determine the role of this variant in disease. Therefore, it has been classified as a Variant of Uncertain Significance.

NM_002303.6(LEPR):c.1322A>G (p.Tyr441Cys)

Gene: LEPR (leptin receptor; plus strand). Cytogenetic location: 1p31.3.
Variant type: single nucleotide variant.
Coding change: c.1322A>G on transcript NM_002303.6 (MANE Select); coding-DNA position 1322, A replaced by G.
Protein change: p.Tyr441Cys; replaces tyrosine 441 with cysteine.
Molecular consequence: missense variant.
Genome position (GRCh38, 1-based): chr1:65,601,879, A>G. VCF-style: chr1-65601879-A-G. GRCh37 (hg19) VCF-style: chr1-66067562-A-G.
Other names: c.1322A>G, p.Tyr441Cys (NM_001003679.3, NM_001003680.3, NM_001198687.2 and 2 more transcripts); short protein forms Y441C.
Identifiers: ClinVar variation 3700948 (VCV003700948.2).
Genomic context (GRCh38, chr1:65,601,879, plus strand): 5'-AATATTTTAATATGTTTCAAATAGATGTCAATATCAATATCTCATGTGAAACTGATGGGT[A>G]CTTAACTAAAATGACTTGCAGATGGTCAACCAGTACAATCCAGTCACTTGCGGAAAGCAC-3'
Protein context (NP_002294.2, residues 431-451): NINISCETDG[Tyr441Cys]LTKMTCRWST